The following is an entry in ClinVar:

NM_012291.5(ESPL1):c.347C>T (p.Ala116Val)

Gene: ESPL1 (extra spindle pole bodies like 1, separase; plus strand). Cytogenetic location: 12q13.13.
Variant type: single nucleotide variant.
Coding change: c.347C>T on transcript NM_012291.5 (MANE Select); coding-DNA position 347, C replaced by T.
Protein change: p.Ala116Val; replaces alanine 116 with valine.
Molecular consequence: missense variant.
Genome position (GRCh38, 1-based): chr12:53,269,289, C>T. VCF-style: chr12-53269289-C-T. GRCh37 (hg19) VCF-style: chr12-53663073-C-T.
Other names: short protein forms A116V.
Identifiers: ClinVar variation 3056449 (VCV003056449.2), dbSNP rs2364600, ClinGen allele CA6596861.

ClinVar aggregate classification (germline): Benign (0 of 4 stars; one submission).

Conditions:
ESPL1-related disorder. Also called: ESPL1-related condition.

Allele frequency attached by ClinVar (database versions not stated): gnomAD exomes 0.00360; ExAC 0.01122; gnomAD 0.03553; 1000 Genomes Project 0.03654; TOPMed 0.03996; 1000 Genomes Project 30x 0.03998; ESP Exome Variant Server 0.04052.
gnomAD v4.1: 10,866 of 1,614,154 alleles (0.67%); highest among the groups gnomAD compares: African/African-American, 13%; 620 homozygotes.

Submission:

PreventionGenetics, part of Exact Sciences
Classification: Benign for ESPL1-related condition. Last evaluated: 2019-06-17. Review status: no assertion criteria provided. Collection method: clinical testing. Allele origin: germline.
Comment: This variant is classified as benign based on ACMG/AMP sequence variant interpretation guidelines (Richards et al. 2015 PMID: 25741868, with internal and published modifications).